The following is an entry in ClinVar:

ClinVar aggregate classification (germline): Likely benign. Review status: criteria provided, multiple submitters, no conflicts (2 of 4 stars). 2 submissions from 2 submitters: Likely benign (2). Last evaluated 2025-11-12.

Allele frequency attached by ClinVar (database versions not stated): 1000 Genomes Project 0.00020; ExAC 0.00030; ESP Exome Variant Server 0.00054; 1000 Genomes Project 30x 0.00016.
gnomAD v4.1: 768 of 1,614,108 alleles (0.048%); highest among the groups gnomAD compares: Admixed American, 0.075%; no homozygotes.

Submissions (2):

Labcorp Genetics (formerly Invitae), Labcorp
Classification: Likely benign. Last evaluated: 2025-11-12. Review status: criteria provided, single submitter. Criteria: Invitae Variant Classification Sherloc (09022015). Collection method: clinical testing. Allele origin: germline.

CeGaT Center for Human Genetics Tuebingen
Classification: Likely benign. Last evaluated: 2024-07-01. Review status: criteria provided, single submitter. Criteria: CeGaT Center For Human Genetics Tuebingen Variant Classification Criteria Version 2. Collection method: clinical testing. Allele origin: germline. Affected: yes. Observed: 1 variant allele.
Comment: ERBB2: BP4, BP7

NM_004448.4(ERBB2):c.2541C>T (p.Ala847=)

Gene: ERBB2 (erb-b2 receptor tyrosine kinase 2; plus strand). Cytogenetic location: 17q12.
Variant type: single nucleotide variant.
Coding change: c.2541C>T on transcript NM_004448.4 (MANE Select); coding-DNA position 2541, C replaced by T.
Protein change: p.Ala847=; no amino-acid change (alanine 847 retained).
Molecular consequence: synonymous variant. On other transcripts: non-coding transcript variant (1), intron variant (3).
Genome position (GRCh38, 1-based): chr17:39,725,096, C>T. VCF-style: chr17-39725096-C-T. GRCh37 (hg19) VCF-style: chr17-37881349-C-T.
Other names: c.2499C>T, p.Ala833= (NM_001382803.1, NM_001382793.1, NM_001382794.1); c.1713C>T, p.Ala571= (NM_001382804.1); c.1503C>T, p.Ala501= (NM_001382806.1); c.2493+185C>T (NM_001382798.1); c.2208+1436C>T (NM_001382805.1); c.2445+185C>T (NM_001382801.1); c.2355C>T, p.Ala785= (NM_001382800.1); c.2283C>T, p.Ala761= (NM_001382802.1); and 15 more.
Identifiers: ClinVar variation 1156898 (VCV001156898.26), dbSNP rs140231769, ClinGen allele CA8534325.
Genomic context (GRCh38, chr17:39,725,096, plus strand): 5'-CTTCCCATTCCAGGGGATGAGCTACCTGGAGGATGTGCGGCTCGTACACAGGGACTTGGC[C>T]GCTCGGAACGTGCTGGTCAAGAGTCCCAACCATGTCAAAATTACAGACTTCGGGCTGGCT-3'
Protein context (NP_004439.2, residues 837-857): EDVRLVHRDL[Ala847=]ARNVLVKSPN